The following is an entry in ClinVar:

NM_022455.5(NSD1):c.3412G>C (p.Asp1138His)

Gene: NSD1 (nuclear receptor binding SET domain protein 1; plus strand). Cytogenetic location: 5q35.3.
Variant type: single nucleotide variant.
Coding change: c.3412G>C on transcript NM_022455.5 (MANE Select); coding-DNA position 3412, G replaced by C.
Protein change: p.Asp1138His; replaces aspartic acid 1138 with histidine.
Molecular consequence: missense variant.
Genome position (GRCh38, 1-based): chr5:177,211,811, G>C. VCF-style: chr5-177211811-G-C. GRCh37 (hg19) VCF-style: chr5-176638812-G-C.
Other names: c.3412G>C, p.Asp1138His (NM_001409302.1, NM_001409303.1, NM_001409301.1); c.2992G>C, p.Asp998His (NM_001409304.1); c.2659G>C, p.Asp887His (NM_001409305.1); c.2539G>C, p.Asp847His (NM_001409306.1, NM_001409307.1, NM_001409308.1 and 3 more transcripts); short protein forms D1138H, D847H, D887H, D998H.
Identifiers: ClinVar variation 5020447 (VCV005020447.1).

ClinVar aggregate classification (germline): Uncertain significance (1 of 4 stars; one submission).

gnomAD v4.1: 1 of 1,614,176 alleles (0.000062%); highest among the groups gnomAD compares: Non-Finnish European, 0.000085%; no homozygotes.

Submission:

Dasa
Classification: Uncertain significance. Last evaluated: 2026-06-01. Review status: criteria provided, single submitter. Criteria: DASA Assertion Criteria. Collection method: clinical testing. Allele origin: germline.
Comment: NM_022455.5(NSD1):c.3412G>C (p.Asp1138His) is a missense variant that results in the substitution of aspartic acid with histidine. This variant is rare in population databases. The currently available literature and clinical evidence are not sufficient to establish a definitive association between this variant and the reported condition. Therefore, this variant is classified as a variant of uncertain significance.